The following is an entry in ClinVar:

ClinVar aggregate classification (germline): Uncertain significance (1 of 4 stars; one submission).

Conditions:
Hereditary spastic paraplegia 7 (SPG7). Also called: SPASTIC PARAPLEGIA 7, AUTOSOMAL RECESSIVE, WITH OR WITHOUT CEREBELLAR ATAXIA; SPG7-related neurologic disorder; Spastic paraplegia 7; Hereditary spastic paraplegia Paraplegin type; Autosomal recessive spastic paraplegia type 7. Identifiers: Orphanet 99013, MedGen C1846564, MONDO:0011803, OMIM 607259.

gnomAD v4.1: 1 of 1,613,380 alleles (0.000062%); highest among the groups gnomAD compares: African/African-American, 0.0013%; no homozygotes.

Submission:

Labcorp Genetics (formerly Invitae), Labcorp
Classification: Uncertain significance for Hereditary spastic paraplegia 7. Last evaluated: 2024-08-26. Review status: criteria provided, single submitter. Criteria: Invitae Variant Classification Sherloc (09022015). Collection method: clinical testing. Allele origin: germline.
Comment: This sequence change replaces glycine, which is neutral and non-polar, with serine, which is neutral and polar, at codon 774 of the SPG7 protein (p.Gly774Ser). This variant is present in population databases (rs752011818, gnomAD 0.007%). This variant has not been reported in the literature in individuals affected with SPG7-related conditions. Invitae Evidence Modeling of protein sequence and biophysical properties (such as structural, functional, and spatial information, amino acid conservation, physicochemical variation, residue mobility, and thermodynamic stability) indicates that this missense variant is not expected to disrupt SPG7 protein function with a negative predictive value of 95%. In summary, the available evidence is currently insufficient to determine the role of this variant in disease. Therefore, it has been classified as a Variant of Uncertain Significance.

NM_003119.4(SPG7):c.2320G>A (p.Gly774Ser)

Gene: SPG7 (SPG7 matrix AAA peptidase subunit, paraplegin; plus strand). Cytogenetic location: 16q24.3.
Variant type: single nucleotide variant.
Coding change: c.2320G>A on transcript NM_003119.4 (MANE Select); coding-DNA position 2320, G replaced by A.
Protein change: p.Gly774Ser; replaces glycine 774 with serine.
Molecular consequence: missense variant. On other transcripts: 3 prime UTR variant (1).
Genome position (GRCh38, 1-based): chr16:89,557,025, G>A. VCF-style: chr16-89557025-G-A. GRCh37 (hg19) VCF-style: chr16-89623433-G-A.
Other names: c.*98G>A (NM_001363850.1); short protein forms G774S.
Identifiers: ClinVar variation 3710497 (VCV003710497.2).
Genomic context (GRCh38, chr16:89,557,025, plus strand): 5'-CCGAAGAAAATGATCGCACCGCAGAGGTGGATCGACGCCCAGAGGGAGAAACAGGACTTG[G>A]GCGAGGAGGAGACCGAAGAGACCCAGCAGCCTCCACTTGGAGGCGAAGAGCCGACTTGGC-3'
Protein context (NP_003110.1, residues 764-784): IDAQREKQDL[Gly774Ser]EEETEETQQP